The following is an entry in ClinVar:

NM_016604.4(KDM3B):c.2149C>T (p.Leu717Phe)

Gene: KDM3B (lysine demethylase 3B; plus strand). Cytogenetic location: 5q31.2.
Variant type: single nucleotide variant.
Coding change: c.2149C>T on transcript NM_016604.4 (MANE Select); coding-DNA position 2149, C replaced by T.
Protein change: p.Leu717Phe; replaces leucine 717 with phenylalanine.
Molecular consequence: missense variant.
Genome position (GRCh38, 1-based): chr5:138,391,781, C>T. VCF-style: chr5-138391781-C-T. GRCh37 (hg19) VCF-style: chr5-137727470-C-T.
Other names: short protein forms L717F.
Identifiers: ClinVar variation 4846830 (VCV004846830.2).

ClinVar aggregate classification (germline): Uncertain significance. Review status: criteria provided, multiple submitters, no conflicts (2 of 4 stars). 2 submissions from 2 submitters: Uncertain significance (2). Last evaluated 2026-08-06.

Conditions:
Diets-Jongmans syndrome. Also called: INTELLECTUAL DEVELOPMENTAL DISORDER WITH DISTINCTIVE FACIAL DYSMORPHISM. Identifiers: MedGen C5394263, MONDO:0030012, OMIM 618846.

Submissions (2):

OLLIN Analises Genomicas, OLLIN
Classification: Uncertain significance. Last evaluated: 2026-08-06. Review status: criteria provided, single submitter. Criteria: ACMG Guidelines 2015 PMID 25741868. Collection method: clinical testing. Allele origin: germline.
Comment: This missense variant, located in exon 8 (of 24), has been observed in gnomAD with an allele frequency of 0.000062%, but has not been reported in ClinVar or identified in the literature. In silico analysis predicts that this variant has a tolerated effect. This gene is constrained for missense variation. According to the currently available evidence, this variant has been classified as uncertain significance (PM2_P, PP2, BP4_M).

Laboratorio de Genetica e Diagnostico Molecular, Hospital Israelita Albert Einstein
Classification: Uncertain significance for Diets-Jongmans syndrome. Last evaluated: 2025-12-04. Review status: criteria provided, single submitter. Criteria: ACMG Guidelines, 2015. Collection method: clinical testing. Allele origin: germline. Affected: yes.
Comment: ACMG classification criteria: PM2 supporting, PP2 supporting, BP4 supporting